The following is an entry in ClinVar:

NM_007294.4(BRCA1):c.5126G>C (p.Gly1709Ala)

Gene: BRCA1 (BRCA1 DNA repair associated; minus strand). Cytogenetic location: 17q21.31.
Variant type: single nucleotide variant.
Coding change: c.5126G>C on transcript NM_007294.4 (MANE Select); coding-DNA position 5126, G replaced by C.
Protein change: p.Gly1709Ala; replaces glycine 1709 with alanine.
Molecular consequence: missense variant. On other transcripts: non-coding transcript variant (1).
Genome position (GRCh38, 1-based): chr17:43,063,900, C>G on the plus strand (G>C on the coding strand, the complement: BRCA1 is on the minus strand). VCF-style: chr17-43063900-C-G. GRCh37 (hg19) VCF-style: chr17-41215917-C-G.
Other names: c.4913G>C, p.Gly1638Ala (NM_001407571.1, NM_001407899.1, NM_001407900.1 and 12 more transcripts); c.5192G>C, p.Gly1731Ala (NM_001407581.1, NM_001407582.1); c.5189G>C, p.Gly1730Ala (NM_001407583.1, NM_001407585.1, NM_001407587.1 and 1 more transcripts); c.5186G>C, p.Gly1729Ala (NM_001407590.1, NM_001407591.1); c.5126G>C, p.Gly1709Ala (NM_001407593.1, NM_001407594.1, NM_001407596.1 and 7 more transcripts); c.5123G>C, p.Gly1708Ala (NM_001407610.1, NM_001407611.1, NM_001407612.1 and 17 more transcripts); c.5120G>C, p.Gly1707Ala (NM_001407627.1, NM_001407628.1, NM_001407629.1 and 14 more transcripts); c.5114G>C, p.Gly1705Ala (NM_001407646.1); and 71 more; short protein forms G1662A, G605A, G1709A, G1730A, G1540A, G1555A, G1580A, G1582A.
Identifiers: ClinVar variation 868687 (VCV000868687.4), dbSNP rs786204269, ClinGen allele CA10591287.

ClinVar aggregate classification (germline): Uncertain significance (1 of 4 stars; one submission).

Conditions:
BRCA1-related cancer predisposition. Identifiers: MedGen CN377757, MONDO:0700268.

Submissions (2):

All of Us Research Program, National Institutes of Health
Classification: Uncertain significance for BRCA1-related cancer predisposition. Last evaluated: 2024-04-25. Review status: criteria provided, single submitter. Criteria: ACMG Guidelines, 2015. Collection method: clinical testing. Allele origin: germline. Inheritance: Autosomal dominant inheritance. Observed: 1 variant allele, 1 heterozygote.
Comment: This missense variant replaces glycine with alanine at codon 1709 of the BRCA1 protein. Computational prediction suggests that this variant may have deleterious impact on protein structure and function. A functional study has reported that this variant did not impact BRCA1 function in a haploid cell proliferation assay (PMID: 30209399). This variant has not been reported in individuals affected with BRCA1-related disorders in the literature. This variant has not been identified in the general population by the Genome Aggregation Database (gnomAD). The available evidence is insufficient to determine the role of this variant in disease conclusively. Therefore, this variant is classified as a Variant of Uncertain Significance.

This study involves interpretation of variants in research participants for the purpose of population health screening. Participant phenotype was not available at the time of variant classification. Additional details can be found in publication PMID: 35346344, PMCID: PMC8962531

Brotman Baty Institute, University of Washington
No classification provided (evidence only). Condition: Breast-ovarian cancer, familial 1. Review status: no classification provided. Collection method: in vitro. Allele origin: not applicable. Functional consequence: functionally_normal. Not counted in ClinVar's aggregate classification.
ClinVar note: "not provided" was previously submitted as the classification for the variant. However, the classification appeared to be based only on an observation of functional data so it was converted to no classification on 2025-07-30.

Literature cited by the submitters: PubMed 30209399 (cited by All of Us Research Program, National Institutes of Health).